The following is an entry in ClinVar:

NM_198253.3(TERT):c.2036C>G (p.Ser679Cys)

Gene: TERT (telomerase reverse transcriptase; minus strand). Cytogenetic location: 5p15.33.
Variant type: single nucleotide variant.
Coding change: c.2036C>G on transcript NM_198253.3 (MANE Select); coding-DNA position 2036, C replaced by G.
Protein change: p.Ser679Cys; replaces serine 679 with cysteine.
Molecular consequence: missense variant. On other transcripts: non-coding transcript variant (2).
Genome position (GRCh38, 1-based): chr5:1,279,385, G>C on the plus strand (C>G on the coding strand, the complement: TERT is on the minus strand). VCF-style: chr5-1279385-G-C. GRCh37 (hg19) VCF-style: chr5-1279500-G-C.
Other names: c.2036C>G, p.Ser679Cys (NM_001193376.3); short protein forms S679C.
Identifiers: ClinVar variation 3455214 (VCV003455214.1).

ClinVar aggregate classification (germline): Uncertain significance (1 of 4 stars; one submission).

Conditions:
Dyskeratosis congenita. Identifiers: Orphanet 1775, MedGen C0265965, MONDO:0015780.

Submission:

Ambry Genetics
Classification: Uncertain significance for Dyskeratosis congenita. Last evaluated: 2024-11-01. Review status: criteria provided, single submitter. Criteria: Ambry Variant Classification Scheme 2023. Collection method: clinical testing. Allele origin: germline.
Comment: The p.S679C variant (also known as c.2036C>G), located in coding exon 5 of the TERT gene, results from a C to G substitution at nucleotide position 2036. The serine at codon 679 is replaced by cysteine, an amino acid with dissimilar properties. This amino acid position is conserved. In addition, this alteration is predicted to be deleterious by in silico analysis. Based on the available evidence, the clinical significance of this variant remains unclear.